The following is an entry in ClinVar:

ClinVar aggregate classification (germline): Likely benign. Review status: criteria provided, multiple submitters, no conflicts (2 of 4 stars). 3 submissions from 3 submitters: Likely benign (3). Last evaluated 2026-01-14.

Conditions:
Hereditary spastic paraplegia 49 (HSAN9). Also called: NEUROPATHY, HEREDITARY SENSORY AND AUTONOMIC, TYPE IX, WITH DEVELOPMENTAL DELAY; Spastic paraplegia 49, autosomal recessive; TECPR2-Related Hereditary Sensory and Autonomic Neuropathy with Intellectual Disability. Identifiers: Orphanet 320385, MedGen C5190860, MONDO:0014016, OMIM 615031.

Allele frequency attached by ClinVar (database versions not stated): ExAC 0.00001; gnomAD exomes 0.00002; TOPMed 0.00002; gnomAD 0.00003 and 0.00004.
gnomAD v4.1: 38 of 1,608,872 alleles (0.0024%); highest among the groups gnomAD compares: Middle Eastern, 0.033%; no homozygotes.

Submissions (3):

Labcorp Genetics (formerly Invitae), Labcorp
Classification: Likely benign for Hereditary spastic paraplegia 49. Last evaluated: 2026-01-14. Review status: criteria provided, single submitter. Criteria: Invitae Variant Classification Sherloc (09022015). Collection method: clinical testing. Allele origin: germline.

Blueprint Genetics
Classification: Likely benign. Last evaluated: 2024-10-21. Review status: criteria provided, single submitter. Criteria: ACMG Guidelines, 2015. Collection method: clinical testing. Allele origin: germline.

CeGaT Center for Human Genetics Tuebingen
Classification: Likely benign. Last evaluated: 2022-11-01. Review status: criteria provided, single submitter. Criteria: CeGaT Center For Human Genetics Tuebingen Variant Classification Criteria Version 2. Collection method: clinical testing. Allele origin: germline. Affected: yes. Observed: 1 variant allele.
Comment: TECPR2: BP4, BP7

NM_014844.5(TECPR2):c.4032C>T (p.Pro1344=)

Gene: TECPR2 (tectonin beta-propeller repeat containing 2; plus strand). Cytogenetic location: 14q32.31.
Variant type: single nucleotide variant.
Coding change: c.4032C>T on transcript NM_014844.5 (MANE Select); coding-DNA position 4032, C replaced by T.
Protein change: p.Pro1344=; no amino-acid change (proline 1344 retained).
Molecular consequence: synonymous variant.
Genome position (GRCh38, 1-based): chr14:102,497,670, C>T. VCF-style: chr14-102497670-C-T. GRCh37 (hg19) VCF-style: chr14-102964007-C-T.
Identifiers: ClinVar variation 1079537 (VCV001079537.34), dbSNP rs764511150, ClinGen allele CA7358444.